The following is an entry in ClinVar:

ClinVar aggregate classification (germline): Pathogenic/Likely pathogenic. Review status: criteria provided, multiple submitters, no conflicts (2 of 4 stars). 4 submissions from 4 submitters: Pathogenic (2); Likely pathogenic (2). Last evaluated 2025-05-22.

Conditions:
Neurofibromatosis, type 1 (NF1). Also called: NEUROFIBROMATOSIS, TYPE I, SOMATIC; VON RECKLINGHAUSEN DISEASE; Peripheral type neurofibromatosis; Neurofibromatosis, type I. Identifiers: Orphanet 636, MedGen C0027831, MONDO:0018975, OMIM 162200. Disease mechanism: loss of function.

Submissions (4):

Labcorp Genetics (formerly Invitae), Labcorp
Classification: Pathogenic for Neurofibromatosis, type 1. Last evaluated: 2025-05-22. Review status: criteria provided, single submitter. Criteria: Invitae Variant Classification Sherloc (09022015). Collection method: clinical testing. Allele origin: germline.
Comment: This sequence change affects an acceptor splice site in intron 9 of the NF1 gene. It is expected to disrupt RNA splicing. Variants that disrupt the donor or acceptor splice site typically lead to a loss of protein function (PMID: 16199547), and loss-of-function variants in NF1 are known to be pathogenic (PMID: 10712197, 23913538). This variant is not present in population databases (gnomAD no frequency). Disruption of this splice site has been observed in individual(s) with neurofibromatosis type 1 (PMID: 14722917, 30308447). ClinVar contains an entry for this variant (Variation ID: 547580). Algorithms developed to predict the effect of sequence changes on RNA splicing suggest that this variant may disrupt the consensus splice site. For these reasons, this variant has been classified as Pathogenic.

GeneDx
Classification: Pathogenic. Last evaluated: 2022-04-22. Review status: criteria provided, single submitter. Criteria: GeneDx Variant Classification Process June 2021. Collection method: clinical testing. Allele origin: germline. Affected: yes.
Comment: Canonical splice site variant predicted to result in an in-frame deletion of exon 10; Deletions involving coding exons of this gene are a known mechanism of disease (HGMD); Not observed at significant frequency in large population cohorts (gnomAD); This variant is associated with the following publications: (PMID: 30308447)

Genome-Nilou Lab
Classification: Likely pathogenic for Neurofibromatosis, type 1. Last evaluated: 2022-03-15. Review status: criteria provided, single submitter. Criteria: ACMG Guidelines, 2015. Collection method: clinical testing. Allele origin: germline. Affected: no.

Center for Human Genetics, Inc
Classification: Likely pathogenic for Neurofibromatosis, type 1. Last evaluated: 2016-11-01. Review status: criteria provided, single submitter. Criteria: ACMG Guidelines, 2015. Collection method: clinical testing. Allele origin: germline. Affected: yes.

Literature cited by the submitters: PubMed 16199547 (cited by Labcorp Genetics (formerly Invitae), Labcorp); PubMed 10712197 (cited by Labcorp Genetics (formerly Invitae), Labcorp); PubMed 23913538 (cited by Labcorp Genetics (formerly Invitae), Labcorp); PubMed 14722917 (cited by Labcorp Genetics (formerly Invitae), Labcorp); PubMed 30308447 (cited by Labcorp Genetics (formerly Invitae), Labcorp).

NM_001042492.3(NF1):c.1063-1G>C

Gene: NF1 (neurofibromin 1; plus strand). Cytogenetic location: 17q11.2.
Variant type: single nucleotide variant.
Coding change: c.1063-1G>C on transcript NM_001042492.3 (MANE Select); the canonical splice acceptor site of the intron before coding-DNA position 1063, G replaced by C.
Molecular consequence: splice acceptor variant.
Genome position (GRCh38, 1-based): chr17:31,201,036, G>C. VCF-style: chr17-31201036-G-C. GRCh37 (hg19) VCF-style: chr17-29528054-G-C.
Other names: c.1063-1G>C (NM_001128147.3, NM_000267.4).
Identifiers: ClinVar variation 547580 (VCV000547580.9), dbSNP rs1555610955, ClinGen allele CA398996653.